The following is an entry in ClinVar:

NC_000010.10:g.(?_101571273)_(101572921_?)del

Gene: ABCC2 (ATP binding cassette subfamily C member 2; plus strand). Cytogenetic location: 10q24.2.
Variant type: Deletion.
Identifiers: ClinVar variation 3244941 (VCV003244941.1).

ClinVar aggregate classification (germline): Pathogenic (1 of 4 stars; one submission).

Submission:

Labcorp Genetics (formerly Invitae), Labcorp
Classification: Pathogenic. Last evaluated: 2023-12-01. Review status: criteria provided, single submitter. Criteria: Invitae Variant Classification Sherloc (09022015). Collection method: clinical testing. Allele origin: unknown.
Comment: This variant is a gross deletion of the genomic region encompassing exon(s) 15-16 of the ABCC2 gene. This deletion is out-of-frame, and is expected to create a premature termination codon and result in an absent or disrupted protein product. Loss-of-function variants in ABCC2 are known to be pathogenic (PMID: 9185779, 16549534, 16952291). This variant has not been reported in the literature in individuals affected with ABCC2-related conditions. For these reasons, this variant has been classified as Pathogenic.

Literature cited by the submitters: PubMed 9185779; PubMed 16549534; PubMed 16952291.